The following is an entry in ClinVar:

NM_024642.5(GALNT12):c.894G>A (p.Met298Ile)

Gene: GALNT12 (polypeptide N-acetylgalactosaminyltransferase 12; plus strand). Cytogenetic location: 9q22.33.
Variant type: single nucleotide variant.
Coding change: c.894G>A on transcript NM_024642.5 (MANE Select); coding-DNA position 894, G replaced by A.
Protein change: p.Met298Ile; replaces methionine 298 with isoleucine.
Molecular consequence: missense variant.
Genome position (GRCh38, 1-based): chr9:98,831,934, G>A. VCF-style: chr9-98831934-G-A. GRCh37 (hg19) VCF-style: chr9-101594216-G-A.
Other names: short protein forms M298I.
Identifiers: ClinVar variation 485677 (VCV000485677.5), dbSNP rs1429382002, ClinGen allele CA374218354.

ClinVar aggregate classification (germline): Uncertain significance (1 of 4 stars; one submission).

Submission:

Ambry Genetics
Classification: Uncertain significance. Last evaluated: 2017-03-20. Review status: criteria provided, single submitter. Criteria: Ambry Variant Classification Scheme 2023. Collection method: clinical testing. Allele origin: germline.
Comment: The p.M298I variant (also known as c.894G>A), located in coding exon 4 of the GALNT12 gene, results from a G to A substitution at nucleotide position 894. The methionine at codon 298 is replaced by isoleucine, an amino acid with highly similar properties. This amino acid position is highly conserved through mammals but not in all available vertebrate species. In addition, this alteration is predicted to be tolerated by in silico analysis. Since supporting evidence is limited at this time, the clinical significance of this alteration remains unclear.